The following is an entry in ClinVar:

ClinVar aggregate classification (germline): Uncertain significance (1 of 4 stars; one submission).

Conditions:
Familial cancer of breast. Also called: hereditary breast carcinoma; BREAST CANCER, FAMILIAL; Hereditary breast cancer. Identifiers: Orphanet 227535, MedGen C0346153, MONDO:0016419, OMIM 114480. Disease mechanism: loss of function.

Submission:

Labcorp Genetics (formerly Invitae), Labcorp
Classification: Uncertain significance for Familial cancer of breast. Last evaluated: 2019-05-22. Review status: criteria provided, single submitter. Criteria: Invitae Variant Classification Sherloc (09022015). Collection method: clinical testing. Allele origin: germline.
Comment: In summary, the available evidence is currently insufficient to determine the role of this variant in disease. Therefore, it has been classified as a Variant of Uncertain Significance. Nucleotide substitutions within the consensus splice site are a relatively common cause of aberrant splicing (PMID: 17576681, 9536098). Algorithms developed to predict the effect of sequence changes on RNA splicing suggest that this variant is not likely to affect RNA splicing, but this prediction has not been confirmed by published transcriptional studies. This variant has not been reported in the literature in individuals with PALB2-related conditions. This variant is not present in population databases (ExAC no frequency). This sequence change falls in intron 4 of the PALB2 gene. It does not directly change the encoded amino acid sequence of the PALB2 protein, but it affects a nucleotide within the consensus splice site of the intron.

Literature cited by the submitters: PubMed 17576681; PubMed 9536098.

NM_024675.4(PALB2):c.1684+6_1684+9del

Gene: PALB2 (partner and localizer of BRCA2; minus strand). Cytogenetic location: 16p12.2.
Variant type: Deletion.
Coding change: c.1684+6_1684+9del on transcript NM_024675.4 (MANE Select); bases 6 to 9 of the intron after coding-DNA position 1684, 4 bases deleted (TCAA; older notation c.1684+6_1684+9delTCAA).
Molecular consequence: intron variant.
Genome position (GRCh38, 1-based): chr16:23,634,853-23,634,856, TTGA deleted on the plus strand (TCAA on the coding strand, the reverse complement: PALB2 is on the minus strand); deleting any 4 consecutive bases within chr16:23,634,853-23,634,858 gives the same sequence; the c. name uses the placement nearest the transcript's 3' end. VCF-style (leftmost placement, unchanged base first): chr16-23634852-CTTGA-C. GRCh37 (hg19) VCF-style: chr16-23646173-CTTGA-C.
Identifiers: ClinVar variation 945812 (VCV000945812.10), dbSNP rs1966945941, ClinGen allele CA1139664603.